The following is an entry in ClinVar:

ClinVar aggregate classification (germline): Conflicting classifications of pathogenicity. Review status: criteria provided, conflicting classifications (1 of 4 stars). 4 submissions from 4 submitters: Uncertain significance (1); Benign (1); Likely benign (1). 1 of the submissions does not count toward it. Last evaluated 2026-01-21.

Conditions:
Inborn genetic diseases. Identifiers: MedGen C0950123, MeSH D030342.
CCDC88C-related disorder. Also called: CCDC88C-related condition; CCDC88C-Related Disorders.

Allele frequency attached by ClinVar (database versions not stated): gnomAD exomes 0.00020; ExAC 0.00023; ESP Exome Variant Server 0.00024; gnomAD 0.00024; TOPMed 0.00027.
gnomAD v4.1: 351 of 1,613,634 alleles (0.022%); highest among the groups gnomAD compares: Admixed American, 0.005%; 2 homozygotes.

Submissions (4):

Labcorp Genetics (formerly Invitae), Labcorp
Classification: Benign. Last evaluated: 2026-01-21. Review status: criteria provided, single submitter. Criteria: Invitae Variant Classification Sherloc (09022015). Collection method: clinical testing. Allele origin: germline.

Blueprint Genetics
Classification: Likely benign. Last evaluated: 2024-05-28. Review status: criteria provided, single submitter. Criteria: ACMG Guidelines, 2015. Collection method: clinical testing. Allele origin: germline.

Ambry Genetics
Classification: Uncertain significance for Inborn genetic diseases. Last evaluated: 2020-11-05. Review status: criteria provided, single submitter. Criteria: Ambry Variant Classification Scheme 2023. Collection method: clinical testing. Allele origin: germline.
Comment: The c.358A>G (p.I120V) alteration is located in exon 5 (coding exon 5) of the CCDC88C gene. This alteration results from a A to G substitution at nucleotide position 358, causing the isoleucine (I) at amino acid position 120 to be replaced by a valine (V). Based on data from the Genome Aggregation Database (gnomAD) database, the CCDC88C c.358A>G alteration was observed in 0.04% (104/280508) of total alleles studied, with a frequency of 0.9% (93/10350) in the Ashkenazi Jewish subpopulation. This amino acid position is not well conserved in available vertebrate species. The p.I120V alteration is predicted to be tolerated by in silico analysis. Based on insufficient or conflicting evidence, the clinical significance of this alteration remains unclear.

PreventionGenetics, part of Exact Sciences
Classification: Benign for CCDC88C-related condition. Last evaluated: 2019-07-04. Review status: no assertion criteria provided. Collection method: clinical testing. Allele origin: germline. Not counted in ClinVar's aggregate classification.
Comment: This variant is classified as benign based on ACMG/AMP sequence variant interpretation guidelines (Richards et al. 2015 PMID: 25741868, with internal and published modifications).

NM_001080414.4(CCDC88C):c.358A>G (p.Ile120Val)

Gene: CCDC88C (coiled-coil and HOOK domain protein 88C; minus strand). Cytogenetic location: 14q32.11.
Variant type: single nucleotide variant.
Coding change: c.358A>G on transcript NM_001080414.4 (MANE Select); coding-DNA position 358, A replaced by G.
Protein change: p.Ile120Val; replaces isoleucine 120 with valine.
Molecular consequence: missense variant.
Genome position (GRCh38, 1-based): chr14:91,343,640, T>C on the plus strand (A>G on the coding strand, the complement: CCDC88C is on the minus strand). VCF-style: chr14-91343640-T-C. GRCh37 (hg19) VCF-style: chr14-91809984-T-C.
Other names: short protein forms I120V.
Identifiers: ClinVar variation 2351186 (VCV002351186.8), dbSNP rs201675394, ClinGen allele CA7310277.